The following is an entry in ClinVar:

NM_198576.4(AGRN):c.923A>G (p.Asn308Ser)

Gene: AGRN (agrin; plus strand). Cytogenetic location: 1p36.33.
Variant type: single nucleotide variant.
Coding change: c.923A>G on transcript NM_198576.4 (MANE Select); coding-DNA position 923, A replaced by G.
Protein change: p.Asn308Ser; replaces asparagine 308 with serine.
Molecular consequence: missense variant.
Genome position (GRCh38, 1-based): chr1:1,041,368, A>G. VCF-style: chr1-1041368-A-G. GRCh37 (hg19) VCF-style: chr1-976748-A-G.
Other names: c.923A>G, p.Asn308Ser (NM_001305275.2); c.608A>G, p.Asn203Ser (NM_001364727.2); short protein forms N203S, N308S.
Identifiers: ClinVar variation 2044897 (VCV002044897.2), dbSNP rs1399721011, ClinGen allele CA337825071.

ClinVar aggregate classification (germline): Uncertain significance (1 of 4 stars; one submission).

Conditions:
Congenital myasthenic syndrome 8. Also called: MYASTHENIC SYNDROME, CONGENITAL, DUE TO AGRIN DEFICIENCY; Myasthenic syndrome, congenital, 8, with pre- and postsynaptic defects. Identifiers: Orphanet 590, MedGen C3808739, MONDO:0014052, OMIM 615120.

Allele frequency attached by ClinVar (database versions not stated): gnomAD exomes below 0.00001.
gnomAD v4.1: 6 of 1,538,906 alleles (0.00039%); highest among the groups gnomAD compares: Non-Finnish European, 0.00052%; no homozygotes.

Submission:

Labcorp Genetics (formerly Invitae), Labcorp
Classification: Uncertain significance for Congenital myasthenic syndrome 8. Last evaluated: 2023-09-05. Review status: criteria provided, single submitter. Criteria: Invitae Variant Classification Sherloc (09022015). Collection method: clinical testing. Allele origin: germline.
Comment: This sequence change replaces asparagine, which is neutral and polar, with serine, which is neutral and polar, at codon 308 of the AGRN protein (p.Asn308Ser). The frequency data for this variant in the population databases is considered unreliable, as metrics indicate poor data quality at this position in the gnomAD database. This variant has not been reported in the literature in individuals affected with AGRN-related conditions. ClinVar contains an entry for this variant (Variation ID: 2044897). An algorithm developed to predict the effect of missense changes on protein structure and function (PolyPhen-2) suggests that this variant is likely to be disruptive. In summary, the available evidence is currently insufficient to determine the role of this variant in disease. Therefore, it has been classified as a Variant of Uncertain Significance.